The following is an entry in ClinVar:

NM_004655.4(AXIN2):c.1235A>G (p.Asn412Ser)

Gene: AXIN2 (axin 2; minus strand). Cytogenetic location: 17q24.1.
Variant type: single nucleotide variant.
Coding change: c.1235A>G on transcript NM_004655.4 (MANE Select); coding-DNA position 1235, A replaced by G.
Protein change: p.Asn412Ser; replaces asparagine 412 with serine.
Molecular consequence: missense variant.
Genome position (GRCh38, 1-based): chr17:65,537,801, T>C on the plus strand (A>G on the coding strand, the complement: AXIN2 is on the minus strand). VCF-style: chr17-65537801-T-C. GRCh37 (hg19) VCF-style: chr17-63533919-T-C.
Other names: p.N412S:AAT>AGT; p.Asn412Ser; c.1235A>G (LRG_296t1); c.1235A>G, p.Asn412Ser (NM_001363813.1); short protein forms N412S.
Identifiers: ClinVar variation 136477 (VCV000136477.46), dbSNP rs115931022, ClinGen allele CA289623.
Genomic context (GRCh38, chr17:65,537,801, plus strand): 5'-TCGTAGCTGCCGGAGGGCAGTAGGGAGAGGGGGTGCTGCGTGGGCGCCCCCTCCCGCGAA[T>C]TGAGTGTGAGCTCGGAGCCCTCTCTCTCTTCATCCTGAAAGGGAAGACGTCAGAAGGAGA-3'
Protein context (NP_004646.3, residues 402-422): EEREGSELTL[Asn412Ser]SREGAPTQHP

ClinVar aggregate classification (germline): Benign/Likely benign. Review status: criteria provided, multiple submitters, no conflicts (2 of 4 stars). 21 submissions from 21 submitters: Benign (12); Likely benign (4). 5 of the submissions do not count toward it. Last evaluated 2026-02-04.

Conditions:
Oligodontia-cancer predisposition syndrome. Also called: TOOTH AGENESIS-COLORECTAL CANCER SYNDROME. Identifiers: Orphanet 300576, MedGen C1837750, MONDO:0012075, OMIM 608615. Disease mechanism: loss of function.
Colorectal cancer. Also called: Malignant Colorectal Neoplasm; Colorectal cancer, somatic. Identifiers: MedGen C0346629, MONDO:0005575, OMIM 114500.
AXIN2-related disorder.
Hereditary cancer-predisposing syndrome. Also called: Tumor predisposition; Hereditary neoplastic syndrome; Neoplastic Syndromes, Hereditary; Hereditary Cancer Syndrome. Identifiers: Orphanet 140162, MedGen C0027672, MeSH D009386, MONDO:0015356.

Allele frequency attached by ClinVar (database versions not stated): ESP Exome Variant Server 0.00518; TOPMed 0.00573; 1000 Genomes Project 30x 0.00968; 1000 Genomes Project 0.01098.
gnomAD v4.1: 12,588 of 1,586,748 alleles (0.79%); highest among the groups gnomAD compares: South Asian, 4.1%; 165 homozygotes.

Submissions (21):

Labcorp Genetics (formerly Invitae), Labcorp
Classification: Benign for Oligodontia-cancer predisposition syndrome. Last evaluated: 2026-02-04. Review status: criteria provided, single submitter. Criteria: Invitae Variant Classification Sherloc (09022015). Collection method: clinical testing. Allele origin: germline.

GeneKor MSA
Classification: Benign for Hereditary cancer-predisposing syndrome. Last evaluated: 2025-07-10. Review status: criteria provided, single submitter. Criteria: ACMG Guidelines, 2015. Collection method: clinical testing. Allele origin: germline.

ARUP Laboratories, Molecular Genetics and Genomics, ARUP Laboratories
Classification: Benign. Last evaluated: 2025-05-12. Review status: criteria provided, single submitter. Criteria: ARUP Molecular Germline Variant Investigation Process 2024. Collection method: clinical testing. Allele origin: germline.

Quest Diagnostics Nichols Institute San Juan Capistrano
Classification: Benign. Last evaluated: 2025-04-23. Review status: criteria provided, single submitter. Criteria: Quest Diagnostics criteria. Collection method: clinical testing. Allele origin: unknown.

Center for Genomic Medicine, Rigshospitalet, Copenhagen University Hospital
Classification: Benign. Last evaluated: 2025-03-04. Review status: criteria provided, single submitter. Criteria: ACMG Guidelines, 2015. Collection method: clinical testing. Allele origin: germline.

Myriad Genetics, Inc.
Classification: Likely benign for Oligodontia-cancer predisposition syndrome. Last evaluated: 2025-01-16. Review status: criteria provided, single submitter. Criteria: Myriad Autosomal Dominant, Autosomal Recessive and X-Linked Classification Criteria (2023). Collection method: clinical testing. Allele origin: unknown.
Comment: This variant is considered likely benign. This variant has been observed at a population frequency that is significantly greater than expected given the associated disease prevalence and penetrance.

Mayo Clinic Laboratories, Mayo Clinic
Classification: Likely benign. Last evaluated: 2024-12-10. Review status: criteria provided, single submitter. Criteria: ACMG Guidelines, 2015. Collection method: clinical testing. Allele origin: germline. Observed: 10 variant alleles.
Comment: BS1, BP4_moderate

Blueprint Genetics
Classification: Likely benign. Last evaluated: 2024-11-27. Review status: criteria provided, single submitter. Criteria: ACMG Guidelines, 2015. Collection method: clinical testing. Allele origin: germline.

KCCC/NGS Laboratory, Kuwait Cancer Control Center
Classification: Benign for Oligodontia-cancer predisposition syndrome. Last evaluated: 2023-07-07. Review status: criteria provided, single submitter. Criteria: ACMG Guidelines, 2015. Collection method: clinical testing. Allele origin: germline. Affected: yes.

Department of Pathology and Laboratory Medicine, Sinai Health System
Classification: Benign for Oligodontia-cancer predisposition syndrome. Last evaluated: 2022-08-25. Review status: criteria provided, single submitter. Criteria: ACMG Guidelines, 2015. Collection method: clinical testing. Allele origin: germline. Affected: yes.

Fulgent Genetics
Classification: Likely benign for Colorectal cancer; Oligodontia-cancer predisposition syndrome. Last evaluated: 2021-10-14. Review status: criteria provided, single submitter. Criteria: ACMG Guidelines, 2015. Collection method: clinical testing. Allele origin: unknown.

Ambry Genetics
Classification: Benign for Hereditary cancer-predisposing syndrome. Last evaluated: 2018-09-11. Review status: criteria provided, single submitter. Criteria: Ambry Variant Classification Scheme 2023. Collection method: clinical testing. Allele origin: germline.

Illumina Laboratory Services, Illumina
Classification: Benign for Oligodontia-cancer predisposition syndrome. Last evaluated: 2018-01-13. Review status: criteria provided, single submitter. Criteria: ICSL Variant Classification Criteria 13 December 2019. Collection method: clinical testing. Allele origin: germline.
Comment: This variant was observed in the ICSL laboratory as part of a predisposition screen in an ostensibly healthy population. It had not been previously curated by ICSL or reported in the Human Gene Mutation Database (HGMD: prior to June 1st, 2018), and was therefore a candidate for classification through an automated scoring system. Utilizing variant allele frequency, disease prevalence and penetrance estimates, and inheritance mode, an automated score was calculated to assess if this variant is too frequent to cause the disease. Based on the score and internal cut-off values, a variant classified as benign is not then subjected to further curation. The score for this variant resulted in a classification of benign for this disease.

Women's Health and Genetics/Laboratory Corporation of America, LabCorp
Classification: Benign. Last evaluated: 2016-04-27. Review status: criteria provided, single submitter. Criteria: LabCorp Variant Classification Summary - May 2015. Collection method: clinical testing. Allele origin: germline.
Comment: Variant summary: The c.1235A>G variant involves the alteration of a non-conserved nucleotide and 4/4 in silico tools predict a neutral outcome. The variant was observed in the large, broad control population, ExAC, with an allele frequency of 2.5% which includes 20 homozygous occurrences, strong evidence that this is a benign polymorphism. Muliple reputable clinical labs have classified this variant as benign. Due to the high allele frequency of the variant in the general population, this variant has been classified as Benign.

GeneDx
Classification: Benign. Last evaluated: 2013-12-20. Review status: criteria provided, single submitter. Criteria: GeneDx Variant Classification (06012015). Collection method: clinical testing. Allele origin: germline. Affected: yes.
Comment: This variant is considered likely benign or benign based on one or more of the following criteria: it is a conservative change, it occurs at a poorly conserved position in the protein, it is predicted to be benign by multiple in silico algorithms, and/or has population frequency not consistent with disease.

Breakthrough Genomics
Classification: Benign. Review status: criteria provided, single submitter. Criteria: ACMG Guidelines, 2015. Collection method: not provided. Allele origin: germline. Inheritance: Autosomal dominant inheritance. Affected: yes.

PreventionGenetics, part of Exact Sciences
Classification: Benign for AXIN2-related condition. Last evaluated: 2022-02-17. Review status: no assertion criteria provided. Collection method: clinical testing. Allele origin: germline. Not counted in ClinVar's aggregate classification.
Comment: This variant is classified as benign based on ACMG/AMP sequence variant interpretation guidelines (Richards et al. 2015 PMID: 25741868, with internal and published modifications).

Clinical Genetics, Academic Medical Center
Classification: Likely benign. Review status: no assertion criteria provided. Collection method: clinical testing. Allele origin: germline. Affected: yes. Study: VKGL Data-share Consensus. Not counted in ClinVar's aggregate classification.

Genome Diagnostics Laboratory, Amsterdam University Medical Center
Classification: Benign. Review status: no assertion criteria provided. Collection method: clinical testing. Allele origin: germline. Affected: yes. Study: VKGL Data-share Consensus. Not counted in ClinVar's aggregate classification.

Genome Diagnostics Laboratory, University Medical Center Utrecht
Classification: Likely benign. Review status: no assertion criteria provided. Collection method: clinical testing. Allele origin: germline. Affected: yes. Study: VKGL Data-share Consensus. Not counted in ClinVar's aggregate classification.

Laboratory of Diagnostic Genome Analysis, Leiden University Medical Center (LUMC)
Classification: Likely benign. Review status: no assertion criteria provided. Collection method: clinical testing. Allele origin: germline. Affected: yes. Study: VKGL Data-share Consensus. Not counted in ClinVar's aggregate classification.

Literature cited by the submitters: PubMed 16941501 (cited by Quest Diagnostics Nichols Institute San Juan Capistrano and Ambry Genetics); PubMed 21476993 (cited by Ambry Genetics).